The following is an entry in ClinVar:

NM_003072.5(SMARCA4):c.3383-6C>T

Gene: SMARCA4 (SWI/SNF related BAF chromatin remodeling complex subunit ATPase 4; plus strand). Cytogenetic location: 19p13.2.
Variant type: single nucleotide variant.
Coding change: c.3383-6C>T on transcript NM_003072.5 (MANE Select); 6 bases into the intron before coding-DNA position 3383, C replaced by T.
Molecular consequence: intron variant.
Genome position (GRCh38, 1-based): chr19:11,030,724, C>T. VCF-style: chr19-11030724-C-T. GRCh37 (hg19) VCF-style: chr19-11141400-C-T.
Other names: c.3383-6C>T (NM_001128848.2, NM_001128844.3, NM_001128849.3 and 5 more transcripts).
Identifiers: ClinVar variation 470347 (VCV000470347.13), dbSNP rs760118048, ClinGen allele CA9204417.

ClinVar aggregate classification (germline): Likely benign. Review status: criteria provided, multiple submitters, no conflicts (2 of 4 stars). 3 submissions from 3 submitters: Likely benign (3). Last evaluated 2026-07-07.

Conditions:
Rhabdoid tumor predisposition syndrome 2 (RTPS2). Identifiers: Orphanet 231108, Orphanet 69077, MedGen C2750074, MONDO:0013224, OMIM 613325.
SMARCA4-related disorder. Also called: SMARCA4-related condition.

Allele frequency attached by ClinVar (database versions not stated): gnomAD exomes 0.00001; TOPMed 0.00003; gnomAD 0.00005; ExAC 0.00002.
gnomAD v4.1: 18 of 1,610,324 alleles (0.0011%); highest among the groups gnomAD compares: African/African-American, 0.012%; no homozygotes.

Submissions (3):

Myriad Genetics, Inc.
Classification: Likely benign for Rhabdoid tumor predisposition syndrome 2. Last evaluated: 2026-07-07. Review status: criteria provided, single submitter. Criteria: Myriad Autosomal Dominant, Autosomal Recessive and X-Linked Classification Criteria (2023). Collection method: clinical testing. Allele origin: unknown.
Comment: This variant is considered likely benign. This variant is intronic and is not expected to impact mRNA splicing.

Labcorp Genetics (formerly Invitae), Labcorp
Classification: Likely benign for Rhabdoid tumor predisposition syndrome 2. Last evaluated: 2026-01-27. Review status: criteria provided, single submitter. Criteria: Invitae Variant Classification Sherloc (09022015). Collection method: clinical testing. Allele origin: germline.

PreventionGenetics, part of Exact Sciences
Classification: Likely benign for SMARCA4-related condition. Last evaluated: 2025-08-24. Review status: criteria provided, single submitter. Criteria: ACMG Guidelines, 2015. Collection method: clinical testing. Allele origin: germline.
Comment: This variant is classified as likely benign based on ACMG/AMP sequence variant interpretation guidelines (Richards et al. 2015 PMID: 25741868, with internal and published modifications).